The following is an entry in ClinVar:

NM_000054.7(AVPR2):c.1071C>T (p.Ser357=)

Gene: AVPR2 (arginine vasopressin receptor 2; plus strand). Cytogenetic location: Xq28.
Variant type: single nucleotide variant.
Coding change: c.1071C>T on transcript NM_000054.7 (MANE Select); coding-DNA position 1071, C replaced by T.
Protein change: p.Ser357=; no amino-acid change (serine 357 retained).
Molecular consequence: synonymous variant. On other transcripts: 3 prime UTR variant (1), non-coding transcript variant (1).
Genome position (GRCh38, 1-based): chrX:153,906,683, C>T. VCF-style: chrX-153906683-C-T. GRCh37 (hg19) VCF-style: chrX-153172137-C-T.
Other names: c.*247C>T (NM_001146151.3).
Identifiers: ClinVar variation 2661745 (VCV002661745.27), dbSNP rs1490811969, ClinGen allele CA415111946.

ClinVar aggregate classification (germline): Likely benign. Review status: criteria provided, multiple submitters, no conflicts (2 of 4 stars). 2 submissions from 2 submitters: Likely benign (2). Last evaluated 2023-07-25.

Allele frequency attached by ClinVar (database versions not stated): gnomAD exomes below 0.00001.
gnomAD v4.1: 4 of 1,210,803 alleles (0.00033%); highest among the groups gnomAD compares: Non-Finnish European, 0.00045%; no homozygotes.

Submissions (2):

Labcorp Genetics (formerly Invitae), Labcorp
Classification: Likely benign. Last evaluated: 2023-07-25. Review status: criteria provided, single submitter. Criteria: Invitae Variant Classification Sherloc (09022015). Collection method: clinical testing. Allele origin: germline.

CeGaT Center for Human Genetics Tuebingen
Classification: Likely benign. Last evaluated: 2022-06-01. Review status: criteria provided, single submitter. Criteria: CeGaT Center For Human Genetics Tuebingen Variant Classification Criteria Version 2. Collection method: clinical testing. Allele origin: germline. Affected: yes. Observed: 1 variant allele.
Comment: AVPR2: BP4, BP7